The following is an entry in ClinVar:

ClinVar aggregate classification (germline): Uncertain significance (1 of 4 stars; one submission).

Conditions:
Long QT syndrome (LQTS). Identifiers: MedGen C0023976, MeSH D008133, MONDO:0002442. Disease mechanism: loss of function. Inheritance: Various modes of inheritance.

Submission:

Labcorp Genetics (formerly Invitae), Labcorp
Classification: Uncertain significance for Long QT syndrome. Last evaluated: 2021-12-24. Review status: criteria provided, single submitter. Criteria: Invitae Variant Classification Sherloc (09022015). Collection method: clinical testing. Allele origin: germline.
Comment: In summary, the available evidence is currently insufficient to determine the role of this variant in disease. Therefore, it has been classified as a Variant of Uncertain Significance. Algorithms developed to predict the effect of missense changes on protein structure and function are either unavailable or do not agree on the potential impact of this missense change (SIFT: "Deleterious"; PolyPhen-2: "Possibly Damaging"; Align-GVGD: "Class C0"). This variant has not been reported in the literature in individuals affected with CACNA1C-related conditions. This variant is not present in population databases (gnomAD no frequency). This sequence change replaces alanine, which is neutral and non-polar, with proline, which is neutral and non-polar, at codon 1648 of the CACNA1C protein (p.Ala1648Pro).

NM_000719.7(CACNA1C):c.4942G>C (p.Ala1648Pro)

Genes: CACNA1C-AS1 (CACNA1C antisense RNA 1; minus strand), CACNA1C (calcium voltage-gated channel subunit alpha1 C; plus strand). Cytogenetic location: 12p13.33.
Variant type: single nucleotide variant.
Coding change: c.4942G>C on transcript NM_000719.7 (MANE Select); coding-DNA position 4942, G replaced by C.
Protein change: p.Ala1648Pro; replaces alanine 1648 with proline.
Molecular consequence: missense variant. On other transcripts: non-coding transcript variant (1).
Genome position (GRCh38, 1-based): chr12:2,677,207, G>C. VCF-style: chr12-2677207-G-C. GRCh37 (hg19) VCF-style: chr12-2786373-G-C.
Other names: c.5086G>C, p.Ala1696Pro (NM_001129827.2, NM_199460.4); c.5065G>C, p.Ala1689Pro (NM_001129829.2); c.4942G>C, p.Ala1648Pro (NM_001129830.3, NM_001129840.2, NM_001129841.2 and 4 more transcripts); c.5026G>C, p.Ala1676Pro (NM_001129831.2); c.5002G>C, p.Ala1668Pro (NM_001129832.2); c.4999G>C, p.Ala1667Pro (NM_001129833.2, NM_001129834.2, NM_001129835.2); c.4993G>C, p.Ala1665Pro (NM_001129836.2); c.4966G>C, p.Ala1656Pro (NM_001129837.2, NM_001129838.2); and 3 more; short protein forms A1645P, A1648P, A1654P, A1668P, A1676P, A1656P, A1637P, A1667P.
Identifiers: ClinVar variation 2058730 (VCV002058730.4), dbSNP rs370432385, ClinGen allele CA383378142.